The following is an entry in ClinVar:

ClinVar aggregate classification (germline): Uncertain significance (1 of 4 stars; one submission).

Submission:

Labcorp Genetics (formerly Invitae), Labcorp
Classification: Uncertain significance. Last evaluated: 2022-11-15. Review status: criteria provided, single submitter. Criteria: Invitae Variant Classification Sherloc (09022015). Collection method: clinical testing. Allele origin: germline.
Comment: This variant has not been reported in the literature in individuals affected with MCM2-related conditions. This variant is not present in population databases (gnomAD no frequency). This sequence change replaces serine, which is neutral and polar, with arginine, which is basic and polar, at codon 13 of the MCM2 protein (p.Ser13Arg). Algorithms developed to predict the effect of missense changes on protein structure and function are either unavailable or do not agree on the potential impact of this missense change (SIFT: "Deleterious"; PolyPhen-2: "Benign"; Align-GVGD: "Class C0"). In summary, the available evidence is currently insufficient to determine the role of this variant in disease. Therefore, it has been classified as a Variant of Uncertain Significance.

NM_004526.4(MCM2):c.39C>G (p.Ser13Arg)

Gene: MCM2 (minichromosome maintenance complex component 2; plus strand). Cytogenetic location: 3q21.3.
Variant type: single nucleotide variant.
Coding change: c.39C>G on transcript NM_004526.4 (MANE Select); coding-DNA position 39, C replaced by G.
Protein change: p.Ser13Arg; replaces serine 13 with arginine.
Molecular consequence: missense variant. On other transcripts: non-coding transcript variant (1).
Genome position (GRCh38, 1-based): chr3:127,599,350, C>G. VCF-style: chr3-127599350-C-G. GRCh37 (hg19) VCF-style: chr3-127318193-C-G.
Other names: short protein forms S13R.
Identifiers: ClinVar variation 1944761 (VCV001944761.5), dbSNP rs1201891506, ClinGen allele CA354380156.